The following is an entry in ClinVar:

NM_181882.3(PRX):c.248T>G (p.Leu83Arg)

Gene: PRX (periaxin; minus strand). Cytogenetic location: 19q13.2.
Variant type: single nucleotide variant.
Coding change: c.248T>G on transcript NM_181882.3 (MANE Select); coding-DNA position 248, T replaced by G.
Protein change: p.Leu83Arg; replaces leucine 83 with arginine.
Molecular consequence: missense variant.
Genome position (GRCh38, 1-based): chr19:40,398,753, A>C on the plus strand (T>G on the coding strand, the complement: PRX is on the minus strand). VCF-style: chr19-40398753-A-C. GRCh37 (hg19) VCF-style: chr19-40904660-A-C.
Other names: c.248T>G, p.Leu83Arg (NM_020956.2); short protein forms L83R.
Identifiers: ClinVar variation 661317 (VCV000661317.8), dbSNP rs1599657876, ClinGen allele CA405901293.
Genomic context (GRCh38, chr19:40,398,753, plus strand): 5'-CCGGTGGGCACAGTGCGCTTCAGGCAGAAGGAGACTTTGTAAGGCTCGGCGCATTGCAGC[A>C]GGCGTAGTGCGTCCTCGTACTTGAAGTTCTCGAAGAACACTCGGGCACTCAGCAGCTGGT-3'
Protein context (NP_870998.2, residues 73-93): ENFKYEDALR[Leu83Arg]LQCAEPYKVS

ClinVar aggregate classification (germline): Uncertain significance (1 of 4 stars; one submission).

Conditions:
Charcot-Marie-Tooth disease type 4. Also called: Charcot-Marie-Tooth, Type 4; Charcot-Marie-Tooth disease, type IV. Identifiers: Orphanet 64749, MedGen C4082197, MONDO:0018995.

Allele frequency attached by ClinVar (database versions not stated): TOPMed below 0.00001.

Submission:

Labcorp Genetics (formerly Invitae), Labcorp
Classification: Uncertain significance for Charcot-Marie-Tooth disease type 4. Last evaluated: 2021-07-04. Review status: criteria provided, single submitter. Criteria: Invitae Variant Classification Sherloc (09022015). Collection method: clinical testing. Allele origin: germline.
Comment: In summary, the available evidence is currently insufficient to determine the role of this variant in disease. Therefore, it has been classified as a Variant of Uncertain Significance. Algorithms developed to predict the effect of missense changes on protein structure and function are either unavailable or do not agree on the potential impact of this missense change (SIFT: "Deleterious"; PolyPhen-2: "Possibly Damaging"; Align-GVGD: "Class C0"). This variant has not been reported in the literature in individuals with PRX-related disease. This variant is not present in population databases (ExAC no frequency). This sequence change replaces leucine with arginine at codon 83 of the PRX protein (p.Leu83Arg). The leucine residue is highly conserved and there is a moderate physicochemical difference between leucine and arginine.